The following is an entry in ClinVar:

ClinVar aggregate classification (germline): Uncertain significance (1 of 4 stars; one submission).

Submission:

Greenwood Genetic Center Diagnostic Laboratories, Greenwood Genetic Center
Classification: Uncertain significance. Last evaluated: 2023-02-06. Review status: criteria provided, single submitter. Criteria: ACMG Guidelines, 2015. Collection method: clinical testing. Allele origin: germline. Affected: yes.
Comment: PM2, PP3

NM_002971.6(SATB1):c.676G>T (p.Ala226Ser)

Gene: SATB1 (SATB homeobox 1; minus strand). Cytogenetic location: 3p24.3.
Variant type: single nucleotide variant.
Coding change: c.676G>T on transcript NM_002971.6 (MANE Select); coding-DNA position 676, G replaced by T.
Protein change: p.Ala226Ser; replaces alanine 226 with serine.
Molecular consequence: missense variant.
Genome position (GRCh38, 1-based): chr3:18,397,254, C>A on the plus strand (G>T on the coding strand, the complement: SATB1 is on the minus strand). VCF-style: chr3-18397254-C-A. GRCh37 (hg19) VCF-style: chr3-18438746-C-A.
Other names: c.676G>T, p.Ala226Ser (NM_001131010.4, NM_001195470.3, NM_001322871.2 and 4 more transcripts); c.460G>T, p.Ala154Ser (NM_001322876.2); short protein forms A154S, A226S.
Identifiers: ClinVar variation 2505266 (VCV002505266.1), dbSNP rs2470676238, ClinGen allele CA351857646.